The following is an entry in ClinVar:

ClinVar aggregate classification (germline): Conflicting classifications of pathogenicity. Review status: criteria provided, conflicting classifications (1 of 4 stars). 6 submissions from 6 submitters: Pathogenic (1); Likely pathogenic (1); Uncertain significance (4). Last evaluated 2026-09-30.

Conditions:
CFI-related disorder. Also called: CFI-related condition; CFI-related disorders. Identifiers: MedGen CN239325.
Atypical hemolytic-uremic syndrome with I factor anomaly. Also called: HEMOLYTIC UREMIC SYNDROME, ATYPICAL, SUSCEPTIBILITY TO, 3; AHUS, SUSCEPTIBILITY TO, 3. Identifiers: Orphanet 2134, MedGen C2752039, MONDO:0013041, OMIM 612923.
Factor I deficiency (CFID). Also called: Complement factor I deficiency. Identifiers: Orphanet 200418, MedGen C3463916, MONDO:0012594, OMIM 610984.

Allele frequency attached by ClinVar (database versions not stated): gnomAD 0.00007; gnomAD exomes 0.00008; TOPMed 0.00012; ExAC 0.00019.
gnomAD v4.1: 129 of 1,613,996 alleles (0.008%); highest among the groups gnomAD compares: Admixed American, 0.11%; no homozygotes.

Submissions (6):

MVZ Medizinische Genetik Mainz
Classification: Pathogenic for Atypical hemolytic-uremic syndrome with I factor anomaly. Last evaluated: 2026-09-30. Review status: criteria provided, single submitter. Criteria: UK Practice Guidelines For Variant Classification V4 01 2020. Collection method: clinical testing. Allele origin: germline. Inheritance: Autosomal dominant inheritance. Affected: yes. Observed: 1 variant allele.
Comment: ACMG Criteria: PS3,PS4,PM2_SUP,PP3

Genomenon, Inc
Classification: Uncertain significance for CFI-related disorder. Last evaluated: 2026-09-17. Review status: criteria provided, single submitter. Criteria: Genomenon Sequence Variant Interpretation Standards - Updated. Collection method: curation. Allele origin: germline. Affected: yes.
Comment: CFI p.Pro64Leu (c.191C>T) is a missense variant that changes the amino acid at codon 64 from Proline to Leucine. This variant has been observed in at least one proband affected with a CFI-related disorder (PMID:35619721;37611541;20513133;31231365;32510551). At least one functional study has demonstrated a substantial alteration in protein function relative to the wild-type (PMID:38852887). In silico models predict that this variant is possibly or probably damaging. This variant’s allele frequency in gnomAD is greater than expected for this disorder. In conclusion, we classify CFI p.Pro64Leu (c.191C>T) as a variant of uncertain significance.

Clinical Immunology, Karolinska University Hospital
Classification: Likely pathogenic for Factor I deficiency. Last evaluated: 2026-08-10. Review status: criteria provided, single submitter. Criteria: ACMG Guidelines, 2015. Collection method: clinical testing. Allele origin: germline. Inheritance: Autosomal recessive inheritance. Affected: yes.
Comment: PM2 (gnomAD (v4.1 non-UKB) frequency in European population = 0,00004), PM3 (in trans with a P variant), PP3 (REVEL score = 0,703), PP4_Strong (strong phenotypic evidences: almost absent complement AP and low CFI)

Labcorp Genetics (formerly Invitae), Labcorp
Classification: Uncertain significance. Last evaluated: 2025-12-03. Review status: criteria provided, single submitter. Criteria: Invitae Variant Classification Sherloc (09022015). Collection method: clinical testing. Allele origin: germline.
Comment: This sequence change replaces proline, which is neutral and non-polar, with leucine, which is neutral and non-polar, at codon 64 of the CFI protein (p.Pro64Leu). This variant is present in population databases (rs773187287, gnomAD 0.2%). This missense change has been observed in individual(s) with CFI-related conditions (PMID: 20513133, 24036952, 31231365). ClinVar contains an entry for this variant (Variation ID: 2055075). Invitae Evidence Modeling of protein sequence and biophysical properties (such as structural, functional, and spatial information, amino acid conservation, physicochemical variation, residue mobility, and thermodynamic stability) indicates that this missense variant is expected to disrupt CFI protein function with a positive predictive value of 80%. Experimental studies have shown that this missense change affects CFI function (PMID: 28282489, 32510551, 38852887). In summary, the available evidence is currently insufficient to determine the role of this variant in disease. Therefore, it has been classified as a Variant of Uncertain Significance.

Oxford Medical Genetics Laboratories, Oxford University Hospitals NHS Foundation Trust
Classification: Uncertain significance for Factor I deficiency. Last evaluated: 2023-03-23. Review status: criteria provided, single submitter. Criteria: ACMG Guidelines, 2015. Collection method: clinical testing. Allele origin: germline. Affected: yes.

Mayo Clinic Laboratories, Mayo Clinic
Classification: Uncertain significance. Last evaluated: 2022-07-27. Review status: criteria provided, single submitter. Criteria: ACMG Guidelines, 2015. Collection method: clinical testing. Allele origin: germline. Observed: 2 variant alleles.
Comment: PP4, PS3_moderate

Literature cited by the submitters: PubMed 35619721 (cited by Genomenon, Inc); PubMed 37611541 (cited by Genomenon, Inc); PubMed 20513133 (cited by 3 submitters); PubMed 31231365 (cited by 4 submitters); PubMed 32510551 (cited by 3 submitters); PubMed 38852887 (cited by Genomenon, Inc and Labcorp Genetics (formerly Invitae), Labcorp); PubMed 24036952 (cited by Labcorp Genetics (formerly Invitae), Labcorp); PubMed 28282489 (cited by Labcorp Genetics (formerly Invitae), Labcorp and Mayo Clinic Laboratories, Mayo Clinic); PubMed 32908800 (cited by Mayo Clinic Laboratories, Mayo Clinic).

NM_000204.5(CFI):c.191C>T (p.Pro64Leu)

Gene: CFI (complement factor I; minus strand). Cytogenetic location: 4q25.
Variant type: single nucleotide variant.
Coding change: c.191C>T on transcript NM_000204.5 (MANE Select); coding-DNA position 191, C replaced by T.
Protein change: p.Pro64Leu; replaces proline 64 with leucine.
Molecular consequence: missense variant. On other transcripts: non-coding transcript variant (3), intron variant (1).
Genome position (GRCh38, 1-based): chr4:109,766,691, G>A on the plus strand (C>T on the coding strand, the complement: CFI is on the minus strand). VCF-style: chr4-109766691-G-A. GRCh37 (hg19) VCF-style: chr4-110687847-G-A.
Other names: p.Pro64Leu; c.191C>T, p.Pro64Leu (NM_001318057.2, NM_001331035.2, NM_001375278.1 and 5 more transcripts); c.-127-4999C>T (NM_001375284.1); c.191C>T (NM_000204.4); short protein forms P64L.
Identifiers: ClinVar variation 2055075 (VCV002055075.31), dbSNP rs773187287, ClinGen allele CA3042338.